The following is an entry in ClinVar:

ClinVar aggregate classification (germline): Uncertain significance (1 of 4 stars; one submission).

gnomAD v4.1: 23 of 1,611,474 alleles (0.0014%); highest among the groups gnomAD compares: Non-Finnish European, 0.002%; no homozygotes.

Submission:

Labcorp Genetics (formerly Invitae), Labcorp
Classification: Uncertain significance. Last evaluated: 2021-08-19. Review status: criteria provided, single submitter. Criteria: Invitae Variant Classification Sherloc (09022015). Collection method: clinical testing. Allele origin: germline.
Comment: This sequence change replaces asparagine with histidine at codon 536 of the CAD protein (p.Asn536His). The asparagine residue is weakly conserved and there is a small physicochemical difference between asparagine and histidine. This variant is not present in population databases (ExAC no frequency). This variant has not been reported in the literature in individuals affected with CAD-related conditions. Algorithms developed to predict the effect of missense changes on protein structure and function output the following: SIFT: "Tolerated"; PolyPhen-2: "Benign"; Align-GVGD: "Class C0". The histidine amino acid residue is found in multiple mammalian species, which suggests that this missense change does not adversely affect protein function. In summary, the available evidence is currently insufficient to determine the role of this variant in disease. Therefore, it has been classified as a Variant of Uncertain Significance.

NM_004341.5(CAD):c.1606A>C (p.Asn536His)

Gene: CAD (carbamoyl-phosphate synthetase 2, aspartate transcarbamylase, and dihydroorotase; plus strand). Cytogenetic location: 2p23.3.
Variant type: single nucleotide variant.
Coding change: c.1606A>C on transcript NM_004341.5 (MANE Select); coding-DNA position 1606, A replaced by C.
Protein change: p.Asn536His; replaces asparagine 536 with histidine.
Molecular consequence: missense variant.
Genome position (GRCh38, 1-based): chr2:27,225,229, A>C. VCF-style: chr2-27225229-A-C. GRCh37 (hg19) VCF-style: chr2-27448097-A-C.
Other names: c.1606A>C, p.Asn536His (NM_001306079.2); short protein forms N536H.
Identifiers: ClinVar variation 1496368 (VCV001496368.1), dbSNP rs757485336, ClinGen allele CA346205192.